The following is an entry in ClinVar:

NM_000057.4(BLM):c.284C>T (p.Ala95Val)

Gene: BLM (BLM RecQ like helicase; plus strand). Cytogenetic location: 15q26.1.
Variant type: single nucleotide variant.
Coding change: c.284C>T on transcript NM_000057.4 (MANE Select); coding-DNA position 284, C replaced by T.
Protein change: p.Ala95Val; replaces alanine 95 with valine.
Molecular consequence: missense variant. On other transcripts: 5 prime UTR variant (1).
Genome position (GRCh38, 1-based): chr15:90,749,552, C>T. VCF-style: chr15-90749552-C-T. GRCh37 (hg19) VCF-style: chr15-91292782-C-T.
Other names: c.284C>T, p.Ala95Val (NM_001287246.2, NM_001287247.2); c.-1008C>T (NM_001287248.2); c.284C>T (NM_000057.2); short protein forms A95V.
Identifiers: ClinVar variation 948456 (VCV000948456.7), dbSNP rs751028188, ClinGen allele CA393840135.
Genomic context (GRCh38, chr15:90,749,552, plus strand): 5'-AACCTCTACCCAACACCACAAATCAGCAAAGGGTCAAGGACTTCTTTAAAAATGCTCCAG[C>T]AGGACAGGAAACACAGAGAGGTGGATCAAAATCATTATTGCCAGATTTCTTGCAGACTCC-3'
Protein context (NP_000048.1, residues 85-105): RVKDFFKNAP[Ala95Val]GQETQRGGSK

ClinVar aggregate classification (germline): Uncertain significance. Review status: criteria provided, multiple submitters, no conflicts (2 of 4 stars). 2 submissions from 2 submitters: Uncertain significance (2). Last evaluated 2024-05-31.

Conditions:
Bloom syndrome (BLM). Also called: Bloom-Torre-Machacek syndrome. Identifiers: Orphanet 125, MedGen C0005859, MONDO:0008876, OMIM 210900.
Hereditary cancer-predisposing syndrome. Also called: Hereditary neoplastic syndrome; Neoplastic Syndromes, Hereditary; Tumor predisposition; Hereditary Cancer Syndrome. Identifiers: Orphanet 140162, MedGen C0027672, MeSH D009386, MONDO:0015356.

Submissions (2):

Ambry Genetics
Classification: Uncertain significance for Hereditary cancer-predisposing syndrome. Last evaluated: 2024-05-31. Review status: criteria provided, single submitter. Criteria: Ambry Variant Classification Scheme 2023. Collection method: clinical testing. Allele origin: germline.
Comment: The p.A95V variant (also known as c.284C>T), located in coding exon 2 of the BLM gene, results from a C to T substitution at nucleotide position 284. The alanine at codon 95 is replaced by valine, an amino acid with similar properties. This amino acid position is conserved. In addition, this alteration is predicted to be tolerated by in silico analysis. Based on the available evidence, the clinical significance of this variant remains unclear.

Labcorp Genetics (formerly Invitae), Labcorp
Classification: Uncertain significance for Bloom syndrome. Last evaluated: 2021-09-01. Review status: criteria provided, single submitter. Criteria: Invitae Variant Classification Sherloc (09022015). Collection method: clinical testing. Allele origin: germline.
Comment: This sequence change replaces alanine with valine at codon 95 of the BLM protein (p.Ala95Val). The alanine residue is weakly conserved and there is a small physicochemical difference between alanine and valine. This variant is not present in population databases (ExAC no frequency). This variant has not been reported in the literature in individuals affected with BLM-related conditions. Algorithms developed to predict the effect of missense changes on protein structure and function (SIFT, PolyPhen-2, Align-GVGD) all suggest that this variant is likely to be tolerated. Algorithms developed to predict the effect of sequence changes on RNA splicing suggest that this variant may create or strengthen a splice site. In summary, the available evidence is currently insufficient to determine the role of this variant in disease. Therefore, it has been classified as a Variant of Uncertain Significance.